The following is an entry in ClinVar:

NM_130384.3(ATRIP):c.1934G>C (p.Arg645Thr)

Genes: ATRIP (ATR interacting protein; plus strand), ATRIP-TREX1 (ATRIP-TREX1 readthrough; plus strand). Cytogenetic location: 3p21.31.
Variant type: single nucleotide variant.
Coding change: c.1934G>C on transcript NM_130384.3 (MANE Select); coding-DNA position 1934, G replaced by C.
Protein change: p.Arg645Thr; replaces arginine 645 with threonine.
Molecular consequence: missense variant. On other transcripts: non-coding transcript variant (1).
Genome position (GRCh38, 1-based): chr3:48,464,092, G>C. VCF-style: chr3-48464092-G-C. GRCh37 (hg19) VCF-style: chr3-48505491-G-C.
Other names: c.1553G>C, p.Arg518Thr (NM_001271022.2); c.1655G>C, p.Arg552Thr (NM_001271023.2); c.1934G>C, p.Arg645Thr (NM_032166.4); short protein forms R552T, R518T, R645T.
Identifiers: ClinVar variation 3808871 (VCV003808871.1).

ClinVar aggregate classification (germline): Uncertain significance (1 of 4 stars; one submission).

gnomAD v4.1: 2 of 1,613,918 alleles (0.00012%); highest among the groups gnomAD compares: Non-Finnish European, 0.00017%; no homozygotes.

Submission:

Ambry Genetics
Classification: Uncertain significance. Last evaluated: 2024-12-12. Review status: criteria provided, single submitter. Criteria: Ambry Variant Classification Scheme 2023. Collection method: clinical testing. Allele origin: germline.
Comment: The p.R645T variant (also known as c.1934G>C), located in coding exon 10 of the ATRIP gene, results from a G to C substitution at nucleotide position 1934. The arginine at codon 645 is replaced by threonine, an amino acid with similar properties. This amino acid position is conserved. In addition, this alteration is predicted to be tolerated by in silico analysis. Based on the available evidence, the clinical significance of this variant remains unclear.